The following is an entry in ClinVar:

NM_019892.6(INPP5E):c.163C>G (p.Pro55Ala)

Gene: INPP5E (inositol polyphosphate-5-phosphatase E; minus strand). Cytogenetic location: 9q34.3.
Variant type: single nucleotide variant.
Coding change: c.163C>G on transcript NM_019892.6 (MANE Select); coding-DNA position 163, C replaced by G.
Protein change: p.Pro55Ala; replaces proline 55 with alanine.
Molecular consequence: missense variant.
Genome position (GRCh38, 1-based): chr9:136,439,257, G>C on the plus strand (C>G on the coding strand, the complement: INPP5E is on the minus strand). VCF-style: chr9-136439257-G-C. GRCh37 (hg19) VCF-style: chr9-139333709-G-C.
Other names: c.163C>G, p.Pro55Ala (NM_001318502.2); c.163C>G (NM_019892.5); short protein forms P55A.
Identifiers: ClinVar variation 1432719 (VCV001432719.6), dbSNP rs1302116437, ClinGen allele CA375570926.

ClinVar aggregate classification (germline): Uncertain significance. Review status: criteria provided, multiple submitters, no conflicts (2 of 4 stars). 2 submissions from 2 submitters: Uncertain significance (2). Last evaluated 2025-01-14.

Conditions:
INPP5E-related disorder. Also called: INPP5E-related condition.
Joubert syndrome. Also called: JOUBERT-BOLTSHAUSER SYNDROME; Familial aplasia of the vermis. Identifiers: Orphanet 475, MedGen C5979921, MONDO:0018772.

Allele frequency attached by ClinVar (database versions not stated): TOPMed below 0.00001; gnomAD 0.00001.

Submissions (2):

PreventionGenetics, part of Exact Sciences
Classification: Uncertain significance for INPP5E-related condition. Last evaluated: 2025-01-14. Review status: criteria provided, single submitter. Criteria: ACMG Guidelines, 2015. Collection method: clinical testing. Allele origin: germline.
Comment: The INPP5E c.163C>G variant is predicted to result in the amino acid substitution p.Pro55Ala. To our knowledge, this variant has not been reported in the literature or in a large population database (gnomAD), indicating this variant is rare. At this time, the clinical significance of this variant is uncertain due to the absence of conclusive functional and genetic evidence.

Labcorp Genetics (formerly Invitae), Labcorp
Classification: Uncertain significance for Joubert syndrome. Last evaluated: 2022-02-24. Review status: criteria provided, single submitter. Criteria: Invitae Variant Classification Sherloc (09022015). Collection method: clinical testing. Allele origin: germline.
Comment: In summary, the available evidence is currently insufficient to determine the role of this variant in disease. Therefore, it has been classified as a Variant of Uncertain Significance. Advanced modeling of protein sequence and biophysical properties (such as structural, functional, and spatial information, amino acid conservation, physicochemical variation, residue mobility, and thermodynamic stability) performed at Invitae indicates that this missense variant is not expected to disrupt INPP5E protein function. This variant has not been reported in the literature in individuals affected with INPP5E-related conditions. This variant is not present in population databases (gnomAD no frequency). This sequence change replaces proline, which is neutral and non-polar, with alanine, which is neutral and non-polar, at codon 55 of the INPP5E protein (p.Pro55Ala).